The following is an entry in ClinVar:

NM_004336.5(BUB1):c.1248G>T (p.Lys416Asn)

Gene: BUB1 (BUB1 mitotic checkpoint serine/threonine kinase; minus strand). Cytogenetic location: 2q13.
Variant type: single nucleotide variant.
Coding change: c.1248G>T on transcript NM_004336.5 (MANE Select); coding-DNA position 1248, G replaced by T.
Protein change: p.Lys416Asn; replaces lysine 416 with asparagine.
Molecular consequence: missense variant.
Genome position (GRCh38, 1-based): chr2:110,660,006, C>A on the plus strand (G>T on the coding strand, the complement: BUB1 is on the minus strand). VCF-style: chr2-110660006-C-A. GRCh37 (hg19) VCF-style: chr2-111417583-C-A.
Other names: c.1188G>T, p.Lys396Asn (NM_001278616.2); c.1248G>T, p.Lys416Asn (NM_001278617.2); short protein forms K396N, K416N.
Identifiers: ClinVar variation 1760072 (VCV001760072.2), dbSNP rs2468013450, ClinGen allele CA348214080.
Genomic context (GRCh38, chr2:110,660,006, plus strand): 5'-ACAGAAACACATTTATTATAATTAAACATTACCTTCTTTGATCTCTGCTCCACTCTGTGG[C>A]TTGAATTCATGAGTACTCTTATTCACACATCTGGAAGAGAAAACTCTTGAGACACACTAG-3'
Protein context (NP_004327.1, residues 406-426): GCVNKSTHEF[Lys416Asn]PQSGAEIKEG

ClinVar aggregate classification (germline): Uncertain significance (1 of 4 stars; one submission).

Submission:

Ambry Genetics
Classification: Uncertain significance. Last evaluated: 2021-12-10. Review status: criteria provided, single submitter. Criteria: Ambry Variant Classification Scheme 2023. Collection method: clinical testing. Allele origin: germline.
Comment: The p.K416N variant (also known as c.1248G>T), located in coding exon 11 of the BUB1 gene, results from a G to T substitution at nucleotide position 1248. The lysine at codon 416 is replaced by asparagine, an amino acid with similar properties. This amino acid position is conserved. In addition, this alteration is predicted to be tolerated by in silico analysis. Since supporting evidence is limited at this time, the clinical significance of this alteration remains unclear.